The following is an entry in ClinVar:

NM_024642.5(GALNT12):c.1008A>T (p.Gly336=)

Gene: GALNT12 (polypeptide N-acetylgalactosaminyltransferase 12; plus strand). Cytogenetic location: 9q22.33.
Variant type: single nucleotide variant.
Coding change: c.1008A>T on transcript NM_024642.5 (MANE Select); coding-DNA position 1008, A replaced by T.
Protein change: p.Gly336=; no amino-acid change (glycine 336 retained).
Molecular consequence: synonymous variant.
Genome position (GRCh38, 1-based): chr9:98,835,339, A>T. VCF-style: chr9-98835339-A-T. GRCh37 (hg19) VCF-style: chr9-101597621-A-T.
Other names: c.1008A>T (NM_024642.4).
Identifiers: ClinVar variation 2968097 (VCV002968097.5), dbSNP rs1385307354, ClinGen allele CA466424965.

ClinVar aggregate classification (germline): Benign/Likely benign. Review status: criteria provided, multiple submitters, no conflicts (2 of 4 stars). 3 submissions from 3 submitters: Benign (1); Likely benign (2). Last evaluated 2026-04-24.

Conditions:
Colorectal cancer, susceptibility to, 1. Also called: COLORECTAL ADENOMA AND CANCER, SUSCEPTIBILITY TO; COLORECTAL CANCER, SUSCEPTIBILITY TO, ON CHROMOSOME 9. Identifiers: MedGen C1837315, MONDO:0012132, OMIM 608812.

Allele frequency attached by ClinVar (database versions not stated): gnomAD exomes below 0.00001.
gnomAD v4.1: 2 of 1,611,024 alleles (0.00012%); highest among the groups gnomAD compares: Non-Finnish European, 0.00017%; no homozygotes.

Submissions (3):

Myriad Genetics, Inc.
Classification: Benign for Colorectal cancer, susceptibility to, 1. Last evaluated: 2026-04-24. Review status: criteria provided, single submitter. Criteria: Myriad Autosomal Dominant, Autosomal Recessive and X-Linked Classification Criteria (2023). Collection method: clinical testing. Allele origin: unknown.
Comment: This variant is considered benign. This variant is a silent/synonymous amino acid change and it is not expected to impact splicing.

Ambry Genetics
Classification: Likely benign. Last evaluated: 2025-09-26. Review status: criteria provided, single submitter. Criteria: Ambry Variant Classification Scheme 2023. Collection method: clinical testing. Allele origin: germline.

Labcorp Genetics (formerly Invitae), Labcorp
Classification: Likely benign. Last evaluated: 2023-03-16. Review status: criteria provided, single submitter. Criteria: Invitae Variant Classification Sherloc (09022015). Collection method: clinical testing. Allele origin: germline.